The following is an entry in ClinVar:

ClinVar aggregate classification (germline): Uncertain significance (1 of 4 stars; one submission).

Submission:

Ambry Genetics
Classification: Uncertain significance. Last evaluated: 2023-06-24. Review status: criteria provided, single submitter. Criteria: Ambry Variant Classification Scheme 2023. Collection method: clinical testing. Allele origin: germline.
Comment: The p.N1737H variant (also known as c.5209A>C), located in coding exon 39 of the PRKDC gene, results from an A to C substitution at nucleotide position 5209. The asparagine at codon 1737 is replaced by histidine, an amino acid with similar properties. This amino acid position is conserved. In addition, this alteration is predicted to be tolerated by in silico analysis. Since supporting evidence is limited at this time, the clinical significance of this alteration remains unclear.

NM_006904.7(PRKDC):c.5209A>C (p.Asn1737His)

Gene: PRKDC (protein kinase, DNA-activated, catalytic subunit; minus strand). Cytogenetic location: 8q11.21.
Variant type: single nucleotide variant.
Coding change: c.5209A>C on transcript NM_006904.7 (MANE Select); coding-DNA position 5209, A replaced by C.
Protein change: p.Asn1737His; replaces asparagine 1737 with histidine.
Molecular consequence: missense variant.
Genome position (GRCh38, 1-based): chr8:47,879,517, T>G on the plus strand (A>C on the coding strand, the complement: PRKDC is on the minus strand). VCF-style: chr8-47879517-T-G. GRCh37 (hg19) VCF-style: chr8-48792078-T-G.
Other names: c.5209A>C, p.Asn1737His (NM_001081640.2); short protein forms N1737H.
Identifiers: ClinVar variation 2626325 (VCV002626325.2), dbSNP rs765074237, ClinGen allele CA371138268.